The following is an entry in ClinVar:

ClinVar aggregate classification (germline): Conflicting classifications of pathogenicity. Review status: criteria provided, conflicting classifications (1 of 4 stars). 2 submissions from 2 submitters: Uncertain significance (1); Likely benign (1). Last evaluated 2026-07-01.

Conditions:
Inborn genetic diseases. Identifiers: MedGen C0950123, MeSH D030342.

gnomAD v4.1: 76 of 1,588,412 alleles (0.0048%); highest among the groups gnomAD compares: East Asian, 0.0067%; no homozygotes.

Submissions (2):

CeGaT Center for Human Genetics Tuebingen
Classification: Likely benign. Last evaluated: 2026-07-01. Review status: criteria provided, single submitter. Criteria: CeGaT Center For Human Genetics Tuebingen Variant Classification Criteria Version 2. Collection method: clinical testing. Allele origin: germline. Affected: yes. Observed: 1 variant allele.
Comment: ATXN1: BP4, BS2

Ambry Genetics
Classification: Uncertain significance for Inborn genetic diseases. Last evaluated: 2025-03-06. Review status: criteria provided, single submitter. Criteria: Ambry Variant Classification Scheme 2023. Collection method: clinical testing. Allele origin: germline.

NM_001128164.2(ATXN1):c.185C>T (p.Pro62Leu)

Gene: ATXN1 (ataxin 1; minus strand). Cytogenetic location: 6p22.3.
Variant type: single nucleotide variant.
Coding change: c.185C>T on transcript NM_001128164.2 (MANE Select); coding-DNA position 185, C replaced by T.
Protein change: p.Pro62Leu; replaces proline 62 with leucine.
Molecular consequence: missense variant. On other transcripts: synonymous variant (1).
Genome position (GRCh38, 1-based): chr6:16,328,126, G>A on the plus strand (C>T on the coding strand, the complement: ATXN1 is on the minus strand). VCF-style: chr6-16328126-G-A. GRCh37 (hg19) VCF-style: chr6-16328357-G-A.
Other names: c.185C>T, p.Pro62Leu (NM_000332.4); c.156C>T, p.Ala52= (NM_001357857.2); short protein forms P62L.
Identifiers: ClinVar variation 3811459 (VCV003811459.2).